The following is an entry in ClinVar:

NM_001098816.3(TENM4):c.3344A>G (p.Tyr1115Cys)

Gene: TENM4 (teneurin transmembrane protein 4; minus strand). Cytogenetic location: 11q14.1.
Variant type: single nucleotide variant.
Coding change: c.3344A>G on transcript NM_001098816.3 (MANE Select); coding-DNA position 3344, A replaced by G.
Protein change: p.Tyr1115Cys; replaces tyrosine 1115 with cysteine.
Molecular consequence: missense variant.
Genome position (GRCh38, 1-based): chr11:78,729,438, T>C on the plus strand (A>G on the coding strand, the complement: TENM4 is on the minus strand). VCF-style: chr11-78729438-T-C. GRCh37 (hg19) VCF-style: chr11-78440483-T-C.
Other names: short protein forms Y1115C.
Identifiers: ClinVar variation 2367666 (VCV002367666.13), dbSNP rs371168354, ClinGen allele CA6207070.

ClinVar aggregate classification (germline): Conflicting classifications of pathogenicity. Review status: criteria provided, conflicting classifications (1 of 4 stars). 2 submissions from 2 submitters: Uncertain significance (1); Likely benign (1). Last evaluated 2025-06-01.

Allele frequency attached by ClinVar (database versions not stated): gnomAD 0.00012; TOPMed 0.00013; ExAC 0.00014; gnomAD exomes 0.00026; ESP Exome Variant Server 0.00033.
gnomAD v4.1: 386 of 1,601,304 alleles (0.024%); highest among the groups gnomAD compares: Non-Finnish European, 0.032%; 1 homozygote.

Submissions (2):

CeGaT Center for Human Genetics Tuebingen
Classification: Likely benign. Last evaluated: 2025-06-01. Review status: criteria provided, single submitter. Criteria: CeGaT Center For Human Genetics Tuebingen Variant Classification Criteria Version 2. Collection method: clinical testing. Allele origin: germline. Affected: yes. Observed: 2 variant alleles.
Comment: TENM4: BS2

Ambry Genetics
Classification: Uncertain significance. Last evaluated: 2024-06-13. Review status: criteria provided, single submitter. Criteria: Ambry Variant Classification Scheme 2023. Collection method: clinical testing. Allele origin: germline.